The following is an entry in ClinVar:

NM_000179.3(MSH6):c.904del (p.Arg302fs)

Gene: MSH6 (mutS homolog 6; plus strand). Cytogenetic location: 2p16.3.
Variant type: Deletion.
Coding change: c.904del on transcript NM_000179.3 (MANE Select); coding-DNA position 904, one base deleted (A; older notation c.904delA).
Protein change: p.Arg302fs; shifts the reading frame from arginine 302.
Molecular consequence: frameshift variant. On other transcripts: 5 prime UTR variant (2).
Genome position (GRCh38, 1-based): chr2:47,798,887, A deleted. VCF-style (leftmost placement, unchanged base first): chr2-47798886-GA-G. GRCh37 (hg19) VCF-style: chr2-48026025-GA-G.
Other names: c.514del, p.Arg172fs (NM_001281492.2); c.-3del (NM_001281493.2, NM_001281494.2); c.1000delA, p.Arg334Glufs (NM_001406795.1, NM_001406802.1); c.904delA, p.Arg302Glufs (NM_001406796.1, NM_001406798.1, NM_001406800.1 and 4 more transcripts); c.607delA, p.Arg203Glufs (NM_001406797.1, NM_001406801.1, NM_001406805.1 and 10 more transcripts); c.379delA, p.Arg127Glufs (NM_001406799.1, NM_001406806.1, NM_001406807.1); c.826delA, p.Arg276Glufs (NM_001406804.1); c.-3delA (NM_001406811.1, NM_001406812.1, NM_001406814.1 and 4 more transcripts); and 2 more; short protein forms R172fs, R302fs.
Identifiers: ClinVar variation 1765598 (VCV001765598.3), dbSNP rs2530577257, ClinGen allele CA2580067264.
Genomic context (GRCh38, chr2:47,798,886, plus strand): 5'-AGTGGGGGATAGTGAGAGTGAAGGCCTGAACAGCCCTGTCAAAGTTGCTCGAAAGCGGAA[GA>G]GAATGGTGACTGGAAATGGCTCTCTTAAAAGGAAAAGCTCTAGGAAGGAAACGCCCTCAG-3'

ClinVar aggregate classification (germline): Pathogenic (1 of 4 stars; one submission).

Conditions:
Hereditary cancer-predisposing syndrome. Also called: Neoplastic Syndromes, Hereditary; Tumor predisposition; Hereditary Cancer Syndrome; Hereditary neoplastic syndrome. Identifiers: Orphanet 140162, MedGen C0027672, MeSH D009386, MONDO:0015356.

Submission:

Ambry Genetics
Classification: Pathogenic for Hereditary cancer-predisposing syndrome. Last evaluated: 2024-09-13. Review status: criteria provided, single submitter. Criteria: Ambry Variant Classification Scheme 2023. Collection method: clinical testing. Allele origin: germline.
Comment: The c.904delA pathogenic mutation, located in coding exon 4 of the MSH6 gene, results from a deletion of one nucleotide at nucleotide position 904, causing a translational frameshift with a predicted alternate stop codon (p.R302Efs*3). This alteration is expected to result in loss of function by premature protein truncation or nonsense-mediated mRNA decay. This variant is considered to be rare based on population cohorts in the Genome Aggregation Database (gnomAD). As such, this alteration is interpreted as a disease-causing mutation.